The following is an entry in ClinVar:

ClinVar aggregate classification (germline): Uncertain significance (1 of 4 stars; one submission).

Submission:

Labcorp Genetics (formerly Invitae), Labcorp
Classification: Uncertain significance. Last evaluated: 2024-09-04. Review status: criteria provided, single submitter. Criteria: Invitae Variant Classification Sherloc (09022015). Collection method: clinical testing. Allele origin: germline.
Comment: This variant, c.2657_2668dup, results in the insertion of 4 amino acid(s) of the AP3D1 protein (p.Ala886_Pro889dup), but otherwise preserves the integrity of the reading frame. The frequency data for this variant in the population databases is considered unreliable, as metrics indicate poor data quality at this position in the gnomAD database. This variant has not been reported in the literature in individuals affected with AP3D1-related conditions. Experimental studies and prediction algorithms are not available or were not evaluated, and the functional significance of this variant is currently unknown. Algorithms developed to predict the effect of sequence changes on RNA splicing suggest that this variant may disrupt the consensus splice site. In summary, the available evidence is currently insufficient to determine the role of this variant in disease. Therefore, it has been classified as a Variant of Uncertain Significance.

NM_001261826.3(AP3D1):c.2645CCCCCG[6] (p.Pro889_Val890insAlaProAlaPro)

Gene: AP3D1 (adaptor related protein complex 3 subunit delta 1; minus strand). Cytogenetic location: 19p13.3.
Variant type: Microsatellite.
Coding change: c.2645CCCCCG[6] on transcript NM_001261826.3 (MANE Select); six copies in a row of the 6-base unit CCCCCG starting at c.2645; the reference has four copies in a row; two copies, 12 bases duplicated.
Protein change: p.Pro889_Val890insAlaProAlaPro.
Molecular consequence: inframe insertion. On other transcripts: intron variant (1).
Genome position (GRCh38, 1-based): chr19:2,113,347-2,113,358, CGGGGGCGGGGG duplicated on the plus strand (CCCCCGCCCCCG on the coding strand, the reverse complement: AP3D1 is on the minus strand); duplicating any 12 consecutive bases within chr19:2,113,347-2,113,371 gives the same sequence; the position shown is the placement nearest the transcript's 3' end. VCF-style (leftmost placement, unchanged base first): chr19-2113346-A-ACGGGGGCGGGGG. GRCh37 (hg19) VCF-style: chr19-2113345-A-ACGGGGGCGGGGG.
Other names: c.2645CCCCCG[6], p.Pro889_Val890insAlaProAlaPro (NM_001374799.1); c.2601+755CCCCCG[6] (NM_003938.8).
Identifiers: ClinVar variation 3608569 (VCV003608569.2).